The following is an entry in ClinVar:

ClinVar aggregate classification (germline): Uncertain significance (1 of 4 stars; one submission).

Conditions:
Colorectal cancer, susceptibility to, 12 (CRCS12). Also called: COLORECTAL CANCER, SUSCEPTIBILITY TO, ON CHROMOSOME 12q24. Identifiers: Orphanet 220460, MedGen C3554460, MONDO:0014038, OMIM 615083.

Submission:

Labcorp Genetics (formerly Invitae), Labcorp
Classification: Uncertain significance for Colorectal cancer, susceptibility to, 12. Last evaluated: 2018-12-26. Review status: criteria provided, single submitter. Criteria: Invitae Variant Classification Sherloc (09022015). Collection method: clinical testing. Allele origin: germline.
Comment: This variant results in a copy number gain of the genomic region encompassing exon 1 of the POLE gene. The 5' end of this event is unknown as it extends beyond the assayed region for this gene and therefore may encompass additional genes. The 3' boundary is likely confined to intron 1 of the POLE gene. As the precise location of this event is unknown, it may be in tandem or it may be located elsewhere in the genome. This variant has not been reported in the literature in individuals with POLE-related disease. In summary, the available evidence is currently insufficient to determine the role of this variant in disease. Therefore, it has been classified as a Variant of Uncertain Significance.

NC_000012.11:g.(?_133263830)_(133263911_?)dup

Genes: POLE (DNA polymerase epsilon, catalytic subunit; minus strand), LOC130009266 (ATAC-STARR-seq lymphoblastoid silent region 5123; plus strand). Cytogenetic location: 12q24.33.
Variant type: Duplication.
Identifiers: ClinVar variation 584366 (VCV000584366.2).